The following is an entry in ClinVar:

ClinVar aggregate classification (germline): Uncertain significance (0 of 4 stars; one submission).

Conditions:
ALMS1-related disorder. Also called: ALMS1-related condition.

Submission:

PreventionGenetics, part of Exact Sciences
Classification: Uncertain significance for ALMS1-related condition. Last evaluated: 2024-09-07. Review status: no assertion criteria provided. Collection method: clinical testing. Allele origin: germline.
Comment: The ALMS1 c.8385A>T variant is predicted to result in the amino acid substitution p.Gln2795His. To our knowledge, this variant has not been reported in the literature. This variant is reported in 0.012% of alleles in individuals of Latino descent in gnomAD. At this time, the clinical significance of this variant is uncertain due to the absence of conclusive functional and genetic evidence.

NM_001378454.1(ALMS1):c.8382A>T (p.Gln2794His)

Gene: ALMS1 (ALMS1 centrosome and basal body associated protein; plus strand). Cytogenetic location: 2p13.1.
Variant type: single nucleotide variant.
Coding change: c.8382A>T on transcript NM_001378454.1 (MANE Select); coding-DNA position 8382, A replaced by T.
Protein change: p.Gln2794His; replaces glutamine 2794 with histidine.
Molecular consequence: missense variant.
Genome position (GRCh38, 1-based): chr2:73,490,341, A>T. VCF-style: chr2-73490341-A-T. GRCh37 (hg19) VCF-style: chr2-73717468-A-T.
Other names: c.8385A>T, p.Gln2795His (NM_015120.4); short protein forms Q2794H, Q2795H.
Identifiers: ClinVar variation 3353674 (VCV003353674.1).
Genomic context (GRCh38, chr2:73,490,341, plus strand): 5'-TAAAATGCATAGTAATTCACAAGATAAAGAAGTGACTATTTTAGCAGAAGGTAGAAGGCA[A>T]AGCCAAAAATTACCTGTTGATTTTGAGCGTTCTTTTCAAGAAGAAAAACCCTTAGAAAGA-3'
Protein context (NP_001365383.1, residues 2784-2804): EVTILAEGRR[Gln2794His]SQKLPVDFER